The following is an entry in ClinVar:

NM_004667.6(HERC2):c.4611A>C (p.Leu1537Phe)

Gene: HERC2 (HECT and RLD domain containing E3 ubiquitin protein ligase 2; minus strand). Cytogenetic location: 15q13.1.
Variant type: single nucleotide variant.
Coding change: c.4611A>C on transcript NM_004667.6 (MANE Select); coding-DNA position 4611, A replaced by C.
Protein change: p.Leu1537Phe; replaces leucine 1537 with phenylalanine.
Molecular consequence: missense variant.
Genome position (GRCh38, 1-based): chr15:28,233,210, T>G on the plus strand (A>C on the coding strand, the complement: HERC2 is on the minus strand). VCF-style: chr15-28233210-T-G. GRCh37 (hg19) VCF-style: chr15-28478356-T-G.
Other names: c.4611A>C (NM_004667.4); short protein forms L1537F.
Identifiers: ClinVar variation 1710674 (VCV001710674.9), dbSNP rs530669539, ClinGen allele CA7442602.

ClinVar aggregate classification (germline): Uncertain significance. Review status: criteria provided, multiple submitters, no conflicts (2 of 4 stars). 3 submissions from 3 submitters: Uncertain significance (3). Last evaluated 2026-03-01.

Conditions:
Inborn genetic diseases. Identifiers: MedGen C0950123, MeSH D030342.

Allele frequency attached by ClinVar (database versions not stated): ExAC 0.00002; gnomAD 0.00008; gnomAD exomes 0.00010; TOPMed 0.00011.
gnomAD v4.1: 159 of 1,611,280 alleles (0.0099%); highest among the groups gnomAD compares: Admixed American, 0.028%; no homozygotes.

Submissions (3):

CeGaT Center for Human Genetics Tuebingen
Classification: Uncertain significance. Last evaluated: 2026-03-01. Review status: criteria provided, single submitter. Criteria: CeGaT Center For Human Genetics Tuebingen Variant Classification Criteria Version 2. Collection method: clinical testing. Allele origin: germline. Affected: yes. Observed: 1 variant allele.
Comment: HERC2: PM2

GeneDx
Classification: Uncertain significance. Last evaluated: 2025-06-12. Review status: criteria provided, single submitter. Criteria: GeneDx Variant Classification Process June 2021. Collection method: clinical testing. Allele origin: germline. Affected: yes.
Comment: In silico analysis supports that this missense variant has a deleterious effect on protein structure/function; Has not been previously published as pathogenic or benign to our knowledge

Ambry Genetics
Classification: Uncertain significance for Inborn genetic diseases. Last evaluated: 2023-07-25. Review status: criteria provided, single submitter. Criteria: Ambry Variant Classification Scheme 2023. Collection method: clinical testing. Allele origin: germline.